The following is an entry in ClinVar:

ClinVar aggregate classification (germline): Uncertain significance (1 of 4 stars; one submission).

Submission:

GeneDx
Classification: Uncertain significance. Last evaluated: 2026-03-26. Review status: criteria provided, single submitter. Criteria: GeneDx Variant Classification Process June 2021. Collection method: clinical testing. Allele origin: germline.
Comment: Not observed at significant frequency in large population cohorts (gnomAD); In silico analysis supports that this missense variant has a deleterious effect on protein structure/function; Has not been previously published as pathogenic or benign to our knowledge

NM_001042681.2(RERE):c.3706C>G (p.Pro1236Ala)

Gene: RERE (arginine-glutamic acid dipeptide repeats; minus strand). Cytogenetic location: 1p36.23.
Variant type: single nucleotide variant.
Coding change: c.3706C>G on transcript NM_001042681.2 (MANE Select); coding-DNA position 3706, C replaced by G.
Protein change: p.Pro1236Ala; replaces proline 1236 with alanine.
Molecular consequence: missense variant.
Genome position (GRCh38, 1-based): chr1:8,358,829, G>C on the plus strand (C>G on the coding strand, the complement: RERE is on the minus strand). VCF-style: chr1-8358829-G-C. GRCh37 (hg19) VCF-style: chr1-8418889-G-C.
Other names: c.2044C>G, p.Pro682Ala (NM_001042682.2); c.3706C>G, p.Pro1236Ala (NM_012102.4); short protein forms P1236A, P682A.
Identifiers: ClinVar variation 5017606 (VCV005017606.1).